The following is an entry in ClinVar:

NC_000017.10:g.(?_37840830)_(37841022_?)del

Gene: PGAP3 (post-GPI attachment to proteins phospholipase 3; minus strand). Cytogenetic location: 17q12.
Variant type: Deletion.
Identifiers: ClinVar variation 3243213 (VCV003243213.1).

ClinVar aggregate classification (germline): Pathogenic (1 of 4 stars; one submission).

Submission:

Labcorp Genetics (formerly Invitae), Labcorp
Classification: Pathogenic. Last evaluated: 2023-07-17. Review status: criteria provided, single submitter. Criteria: Invitae Variant Classification Sherloc (09022015). Collection method: clinical testing. Allele origin: unknown.
Comment: For these reasons, this variant has been classified as Pathogenic. This variant disrupts a region of the PGAP3 protein in which other variant(s) (p.Ser107Leu) have been determined to be pathogenic (PMID: 27120253, 28327575, 30345601). This suggests that this is a clinically significant region of the protein, and that variants that disrupt it are likely to be disease-causing. This variant has not been reported in the literature in individuals affected with PGAP3-related conditions. This variant is a gross deletion of the genomic region encompassing exon(s) 3 of the PGAP3 gene. This variant would be expected to be in-frame, preserving the integrity of the reading frame.

Literature cited by the submitters: PubMed 27120253; PubMed 28327575; PubMed 30345601.